The following is an entry in ClinVar:

NM_000179.3(MSH6):c.3871A>G (p.Lys1291Glu)

Gene: MSH6 (mutS homolog 6; plus strand). Cytogenetic location: 2p16.3.
Variant type: single nucleotide variant.
Coding change: c.3871A>G on transcript NM_000179.3 (MANE Select); coding-DNA position 3871, A replaced by G.
Protein change: p.Lys1291Glu; replaces lysine 1291 with glutamic acid.
Molecular consequence: missense variant.
Genome position (GRCh38, 1-based): chr2:47,806,521, A>G. VCF-style: chr2-47806521-A-G. GRCh37 (hg19) VCF-style: chr2-48033660-A-G.
Other names: c.3481A>G, p.Lys1161Glu (NM_001281492.2); c.2965A>G, p.Lys989Glu (NM_001281493.2, NM_001281494.2); short protein forms K1291E, K989E, K1161E.
Identifiers: ClinVar variation 479912 (VCV000479912.18), dbSNP rs1553333490, ClinGen allele CA346761356.

ClinVar aggregate classification (germline): Uncertain significance. Review status: criteria provided, multiple submitters, no conflicts (2 of 4 stars). 5 submissions from 5 submitters: Uncertain significance (5). Last evaluated 2025-06-10.

Conditions:
Hereditary nonpolyposis colorectal neoplasms. Identifiers: MedGen C0009405, MeSH D003123.
Lynch syndrome. Identifiers: Orphanet 144, MedGen C4552100, MONDO:0005835. Disease mechanism: loss of function.
Hereditary cancer-predisposing syndrome. Also called: Hereditary Cancer Syndrome; Neoplastic Syndromes, Hereditary; Tumor predisposition; Hereditary neoplastic syndrome. Identifiers: Orphanet 140162, MedGen C0027672, MeSH D009386, MONDO:0015356.

Submissions (5):

Labcorp Genetics (formerly Invitae), Labcorp
Classification: Uncertain significance for Hereditary nonpolyposis colorectal neoplasms. Last evaluated: 2025-06-10. Review status: criteria provided, single submitter. Criteria: Invitae Variant Classification Sherloc (09022015). Collection method: clinical testing. Allele origin: germline.
Comment: This sequence change replaces lysine, which is basic and polar, with glutamic acid, which is acidic and polar, at codon 1291 of the MSH6 protein (p.Lys1291Glu). This variant is not present in population databases (gnomAD no frequency). This variant has not been reported in the literature in individuals affected with MSH6-related conditions. ClinVar contains an entry for this variant (Variation ID: 479912). Invitae Evidence Modeling of protein sequence and biophysical properties (such as structural, functional, and spatial information, amino acid conservation, physicochemical variation, residue mobility, and thermodynamic stability) indicates that this missense variant is not expected to disrupt MSH6 protein function with a negative predictive value of 95%. In summary, the available evidence is currently insufficient to determine the role of this variant in disease. Therefore, it has been classified as a Variant of Uncertain Significance.

Color Diagnostics, LLC DBA Color Health
Classification: Uncertain significance for Hereditary cancer-predisposing syndrome. Last evaluated: 2024-03-07. Review status: criteria provided, single submitter. Criteria: ACMG Guidelines, 2015. Collection method: clinical testing. Allele origin: germline.
Comment: This missense variant replaces lysine with glutamic acid at codon 1291 of the MSH6 protein. Computational prediction suggests that this variant may not impact protein structure and function (internally defined REVEL score threshold <= 0.5, PMID: 27666373). To our knowledge, functional studies have not been reported for this variant. This variant has not been reported in individuals affected with MSH6-related disorders in the literature. This variant has not been identified in the general population by the Genome Aggregation Database (gnomAD). The available evidence is insufficient to determine the role of this variant in disease conclusively. Therefore, this variant is classified as a Variant of Uncertain Significance.

Ambry Genetics
Classification: Uncertain significance for Hereditary cancer-predisposing syndrome. Last evaluated: 2023-10-09. Review status: criteria provided, single submitter. Criteria: Ambry Variant Classification Scheme 2023. Collection method: clinical testing. Allele origin: germline.
Comment: The p.K1291E variant (also known as c.3871A>G), located in coding exon 9 of the MSH6 gene, results from an A to G substitution at nucleotide position 3871. The lysine at codon 1291 is replaced by glutamic acid, an amino acid with similar properties. This amino acid position is not well conserved in available vertebrate species. In addition, this alteration is predicted to be tolerated by in silico analysis. Since supporting evidence is limited at this time, the clinical significance of this alteration remains unclear.

All of Us Research Program, National Institutes of Health
Classification: Uncertain significance for Lynch syndrome. Last evaluated: 2023-06-08. Review status: criteria provided, single submitter. Criteria: ACMG Guidelines, 2015. Collection method: clinical testing. Allele origin: germline. Inheritance: Autosomal dominant inheritance. Observed: 1 variant allele, 1 heterozygote.
Comment: This missense variant replaces lysine with glutamic acid at codon 1291 of the MSH6 protein. Computational prediction suggests that this variant may not impact protein structure and function (internally defined REVEL score threshold <= 0.5, PMID: 27666373). To our knowledge, functional studies have not been reported for this variant. This variant has not been reported in individuals affected with MSH6-related disorders in the literature. This variant has not been identified in the general population by the Genome Aggregation Database (gnomAD). The available evidence is insufficient to determine the role of this variant in disease conclusively. Therefore, this variant is classified as a Variant of Uncertain Significance.

This study involves interpretation of variants in research participants for the purpose of population health screening. Participant phenotype was not available at the time of variant classification. Additional details can be found in publication PMID: 35346344, PMCID: PMC8962531

Sema4
Classification: Uncertain significance for Hereditary cancer-predisposing syndrome. Last evaluated: 2021-12-29. Review status: criteria provided, single submitter. Criteria: Sema4 Curation Guidelines. Collection method: curation. Allele origin: germline.
Comment: The MSH6 c.3871A>G (p.K1291E) variant has not been reported in the literature to our knowledge. It was not observed in the large and broad cohorts of the Genome Aggregation Database (PMID: 32461654). This variant has been reported in ClinVar (Variation ID 479912). Functional studies have not been performed, and in silico predictions of the variant's effect on protein function are inconclusive. The evidence is insufficient to meet ACMG/AMP criteria for classifying the variant as benign or pathogenic. Thus, the clinical significance of this variant is currently uncertain.